The following is an entry in ClinVar:

NM_001134407.3(GRIN2A):c.1739G>T (p.Ser580Ile)

Gene: GRIN2A (glutamate ionotropic receptor NMDA type subunit 2A; minus strand). Cytogenetic location: 16p13.2.
Variant type: single nucleotide variant.
Coding change: c.1739G>T on transcript NM_001134407.3 (MANE Select); coding-DNA position 1739, G replaced by T.
Protein change: p.Ser580Ile; replaces serine 580 with isoleucine.
Molecular consequence: missense variant.
Genome position (GRCh38, 1-based): chr16:9,834,143, C>A on the plus strand (G>T on the coding strand, the complement: GRIN2A is on the minus strand). VCF-style: chr16-9834143-C-A. GRCh37 (hg19) VCF-style: chr16-9928000-C-A.
Other names: c.1739G>T, p.Ser580Ile (NM_000833.5, NM_001134408.2); short protein forms S580I.
Identifiers: ClinVar variation 589887 (VCV000589887.5), dbSNP rs1567332765, ClinGen allele CA394799956.

ClinVar aggregate classification (germline): Uncertain significance (1 of 4 stars; one submission).

Conditions:
Inborn genetic diseases. Identifiers: MedGen C0950123, MeSH D030342.

Submission:

Ambry Genetics
Classification: Uncertain significance for Inborn genetic diseases. Last evaluated: 2016-08-11. Review status: criteria provided, single submitter. Criteria: Ambry Variant Classification Scheme 2023. Collection method: clinical testing. Allele origin: germline.
Comment: The p.S580I variant (also known as c.1739G>T), located in coding exon 7 of the GRIN2A gene, results from a G to T substitution at nucleotide position 1739. The serine at codon 580 is replaced by isoleucine, an amino acid with dissimilar properties. This variant was not reported in population based cohorts in the following databases: Database of Single Nucleotide Polymorphisms (dbSNP), NHLBI Exome Sequencing Project (ESP), and 1000 Genomes Project. In the ESP, this variant was not observed in 6497 samples (12994 alleles) with coverage at this position. This amino acid position is highly conserved in available vertebrate species. In addition, this alteration is predicted to be deleterious by in silico analysis. Since supporting evidence is limited at this time, the clinical significance of this variant remains unclear.